The following is an entry in ClinVar:

NM_020812.4(DOCK6):c.3959G>A (p.Arg1320Gln)

Genes: DOCK6 (dedicator of cytokinesis 6; minus strand), DOCK6-AS1 (DOCK6 antisense RNA 1; plus strand). Cytogenetic location: 19p13.2.
Variant type: single nucleotide variant.
Coding change: c.3959G>A on transcript NM_020812.4 (MANE Select); coding-DNA position 3959, G replaced by A.
Protein change: p.Arg1320Gln; replaces arginine 1320 with glutamine.
Molecular consequence: missense variant.
Genome position (GRCh38, 1-based): chr19:11,215,863, C>T on the plus strand (G>A on the coding strand, the complement: DOCK6 is on the minus strand). VCF-style: chr19-11215863-C-T. GRCh37 (hg19) VCF-style: chr19-11326539-C-T.
Other names: c.4064G>A, p.Arg1355Gln (NM_001367830.1); short protein forms R1320Q, R1355Q.
Identifiers: ClinVar variation 2419897 (VCV002419897.5), dbSNP rs751053727, ClinGen allele CA9207054.

ClinVar aggregate classification (germline): Uncertain significance (1 of 4 stars; one submission).

Allele frequency attached by ClinVar (database versions not stated): ExAC 0.00002; gnomAD exomes 0.00002; TOPMed 0.00003; gnomAD 0.00004; 1000 Genomes Project 30x 0.00031.
gnomAD v4.1: 31 of 1,613,896 alleles (0.0019%); highest among the groups gnomAD compares: Admixed American, 0.005%; no homozygotes.

Submission:

Labcorp Genetics (formerly Invitae), Labcorp
Classification: Uncertain significance. Last evaluated: 2024-02-29. Review status: criteria provided, single submitter. Criteria: Invitae Variant Classification Sherloc (09022015). Collection method: clinical testing. Allele origin: germline.
Comment: This sequence change replaces arginine, which is basic and polar, with glutamine, which is neutral and polar, at codon 1320 of the DOCK6 protein (p.Arg1320Gln). This variant is present in population databases (rs751053727, gnomAD 0.009%). This variant has not been reported in the literature in individuals affected with DOCK6-related conditions. ClinVar contains an entry for this variant (Variation ID: 2419897). Advanced modeling of protein sequence and biophysical properties (such as structural, functional, and spatial information, amino acid conservation, physicochemical variation, residue mobility, and thermodynamic stability) performed at Invitae indicates that this missense variant is not expected to disrupt DOCK6 protein function with a negative predictive value of 80%. In summary, the available evidence is currently insufficient to determine the role of this variant in disease. Therefore, it has been classified as a Variant of Uncertain Significance.